The following is an entry in ClinVar:

NM_015192.4(PLCB1):c.2534G>A (p.Gly845Glu)

Gene: PLCB1 (phospholipase C beta 1; plus strand). Cytogenetic location: 20p12.3.
Variant type: single nucleotide variant.
Coding change: c.2534G>A on transcript NM_015192.4 (MANE Select); coding-DNA position 2534, G replaced by A.
Protein change: p.Gly845Glu; replaces glycine 845 with glutamic acid.
Molecular consequence: missense variant.
Genome position (GRCh38, 1-based): chr20:8,757,056, G>A. VCF-style: chr20-8757056-G-A. GRCh37 (hg19) VCF-style: chr20-8737703-G-A.
Other names: c.2534G>A, p.Gly845Glu (NM_182734.3); short protein forms G845E.
Identifiers: ClinVar variation 1471420 (VCV001471420.8), dbSNP rs749715935, ClinGen allele CA9760308.
Genomic context (GRCh38, chr20:8,757,056, plus strand): 5'-GAAAAGAATAAAAAGAAATGTGGAAAATGAAAGGATATTTATAATTTTAGGCTGATCCTG[G>A]AGAAACACCATCAGAGGCTCCAAGTGAAGCGAGAACGACTCCAGCAGAAAATGGGGTGAA-3'
Protein context (NP_056007.1, residues 835-855): EEEVKKEADP[Gly845Glu]ETPSEAPSEA

ClinVar aggregate classification (germline): Uncertain significance (1 of 4 stars; one submission).

Conditions:
Developmental and epileptic encephalopathy, 12 (DEE12). Identifiers: MedGen C3150988, MONDO:0013389, OMIM 613722.

Allele frequency attached by ClinVar (database versions not stated): gnomAD exomes below 0.00001; TOPMed below 0.00001; ExAC 0.00001; gnomAD 0.00001.
gnomAD v4.1: 6 of 1,607,202 alleles (0.00037%); highest among the groups gnomAD compares: Non-Finnish European, 0.00051%; no homozygotes.

Submission:

Labcorp Genetics (formerly Invitae), Labcorp
Classification: Uncertain significance for Developmental and epileptic encephalopathy, 12. Last evaluated: 2026-01-21. Review status: criteria provided, single submitter. Criteria: Invitae Variant Classification Sherloc (09022015). Collection method: clinical testing. Allele origin: germline.
Comment: This sequence change replaces glycine, which is neutral and non-polar, with glutamic acid, which is acidic and polar, at codon 845 of the PLCB1 protein (p.Gly845Glu). This variant is present in population databases (rs749715935, gnomAD 0.002%). This variant has not been reported in the literature in individuals affected with PLCB1-related conditions. ClinVar contains an entry for this variant (Variation ID: 1471420). Invitae Evidence Modeling of protein sequence and biophysical properties (such as structural, functional, and spatial information, amino acid conservation, physicochemical variation, residue mobility, and thermodynamic stability) indicates that this missense variant is not expected to disrupt PLCB1 protein function with a negative predictive value of 80%. In summary, the available evidence is currently insufficient to determine the role of this variant in disease. Therefore, it has been classified as a Variant of Uncertain Significance.